The following is an entry in ClinVar:

NM_001267550.2(TTN):c.66973A>G (p.Asn22325Asp)

Genes: TTN (titin; minus strand), TTN-AS1 (TTN antisense RNA 1; plus strand). Cytogenetic location: 2q31.2.
Variant type: single nucleotide variant.
Coding change: c.66973A>G on transcript NM_001267550.2 (MANE Select); coding-DNA position 66973, A replaced by G.
Protein change: p.Asn22325Asp; replaces asparagine 22325 with aspartic acid.
Molecular consequence: missense variant.
Genome position (GRCh38, 1-based): chr2:178,580,406, T>C on the plus strand (A>G on the coding strand, the complement: TTN is on the minus strand). VCF-style: chr2-178580406-T-C. GRCh37 (hg19) VCF-style: chr2-179445133-T-C.
Other names: c.62050A>G, p.Asn20684Asp (NM_001256850.1); c.39778A>G, p.Asn13260Asp (NM_003319.4); c.59269A>G, p.Asn19757Asp (NM_133378.4); c.40153A>G, p.Asn13385Asp (NM_133432.3); c.40354A>G, p.Asn13452Asp (NM_133437.4); short protein forms N13260D, N13385D, N13452D, N19757D, N20684D, N22325D.
Identifiers: ClinVar variation 3906835 (VCV003906835.1).
Genomic context (GRCh38, chr2:178,580,406, plus strand): 5'-ATTCCTTTTTACCACAGCTGTTCTCCAGGGTTAAGATATATTTTCCTGCATCATATTTGT[T>C]CACATTTTCACAGCGCAAGAAAGTGTCAAAGTCAGTTGACTTTATGTCCAGTCCAATCCT-3'
Protein context (NP_001254479.2, residues 22315-22335): FDTFLRCENV[Asn22325Asp]KYDAGKYILT

ClinVar aggregate classification (germline): Uncertain significance (1 of 4 stars; one submission).

Submission:

GeneDx
Classification: Uncertain significance. Last evaluated: 2024-12-17. Review status: criteria provided, single submitter. Criteria: GeneDx Variant Classification Process June 2021. Collection method: clinical testing. Allele origin: germline. Affected: yes.
Comment: Not observed at significant frequency in large population cohorts (gnomAD); Missense variant in a gene in which most reported pathogenic variants are truncating/loss of function; Has not been previously published as pathogenic or benign to our knowledge